The following is an entry in ClinVar:

NM_000368.5(TSC1):c.2567G>T (p.Gly856Val)

Gene: TSC1 (TSC complex subunit 1; minus strand). Cytogenetic location: 9q34.13.
Variant type: single nucleotide variant.
Coding change: c.2567G>T on transcript NM_000368.5 (MANE Select); coding-DNA position 2567, G replaced by T.
Protein change: p.Gly856Val; replaces glycine 856 with valine.
Molecular consequence: missense variant. On other transcripts: non-coding transcript variant (5).
Genome position (GRCh38, 1-based): chr9:132,900,773, C>A on the plus strand (G>T on the coding strand, the complement: TSC1 is on the minus strand). VCF-style: chr9-132900773-C-A. GRCh37 (hg19) VCF-style: chr9-135776160-C-A.
Other names: c.2414G>T, p.Gly805Val (NM_001406610.1, NM_001162427.2); c.2411G>T, p.Gly804Val (NM_001406611.1, NM_001406612.1); c.2204G>T, p.Gly735Val (NM_001406614.1, NM_001406619.1, NM_001406615.1 and 4 more transcripts); c.2369G>T, p.Gly790Val (NM_001406613.1); c.2564G>T, p.Gly855Val (NM_001162426.2, NM_001406597.1, NM_001406598.1 and 2 more transcripts); c.2567G>T, p.Gly856Val (NM_001406592.1, NM_001406593.1, NM_001406594.1 and 2 more transcripts); c.2552G>T, p.Gly851Val (NM_001406601.1, NM_001406602.1); c.2549G>T, p.Gly850Val (NM_001406603.1, NM_001406604.1); and 8 more; short protein forms G539V, G720V, G790V, G804V, G538V, G721V, G734V, G735V.
Identifiers: ClinVar variation 3462457 (VCV003462457.1).

ClinVar aggregate classification (germline): Uncertain significance (1 of 4 stars; one submission).

Conditions:
Hereditary cancer-predisposing syndrome. Also called: Tumor predisposition; Neoplastic Syndromes, Hereditary; Hereditary neoplastic syndrome; Hereditary Cancer Syndrome. Identifiers: Orphanet 140162, MedGen C0027672, MeSH D009386, MONDO:0015356.

Submission:

Ambry Genetics
Classification: Uncertain significance for Hereditary cancer-predisposing syndrome. Last evaluated: 2024-07-23. Review status: criteria provided, single submitter. Criteria: Ambry Variant Classification Scheme 2023. Collection method: clinical testing. Allele origin: germline.
Comment: The p.G856V variant (also known as c.2567G>T), located in coding exon 18 of the TSC1 gene, results from a G to T substitution at nucleotide position 2567. The glycine at codon 856 is replaced by valine, an amino acid with dissimilar properties. This amino acid position is conserved. In addition, this alteration is predicted to be deleterious by in silico analysis. Based on the available evidence, the clinical significance of this variant remains unclear.